The following is an entry in ClinVar:

NM_020937.4(FANCM):c.272T>C (p.Val91Ala)

Gene: FANCM (FA complementation group M; plus strand). Cytogenetic location: 14q21.2.
Variant type: single nucleotide variant.
Coding change: c.272T>C on transcript NM_020937.4 (MANE Select); coding-DNA position 272, T replaced by C.
Protein change: p.Val91Ala; replaces valine 91 with alanine.
Molecular consequence: missense variant.
Genome position (GRCh38, 1-based): chr14:45,136,303, T>C. VCF-style: chr14-45136303-T-C. GRCh37 (hg19) VCF-style: chr14-45605506-T-C.
Other names: c.272T>C (NM_020937.2); c.272T>C, p.Val91Ala (NM_001308133.2, NM_001308134.2); short protein forms V91A.
Identifiers: ClinVar variation 1000929 (VCV001000929.9), dbSNP rs1885496103, ClinGen allele CA389587680.

ClinVar aggregate classification (germline): Uncertain significance. Review status: criteria provided, multiple submitters, no conflicts (2 of 4 stars). 2 submissions from 2 submitters: Uncertain significance (2). Last evaluated 2025-01-03.

Conditions:
Inborn genetic diseases. Identifiers: MedGen C0950123, MeSH D030342.
Fanconi anemia (FA). Also called: Fanconi's anemia. Identifiers: Orphanet 84, MedGen C0015625, MeSH D005199, MONDO:0019391.

Allele frequency attached by ClinVar (database versions not stated): TOPMed below 0.00001.

Submissions (2):

Ambry Genetics
Classification: Uncertain significance for Inborn genetic diseases. Last evaluated: 2025-01-03. Review status: criteria provided, single submitter. Criteria: Ambry Variant Classification Scheme 2023. Collection method: clinical testing. Allele origin: germline.
Comment: The p.V91A variant (also known as c.272T>C), located in coding exon 1 of the FANCM gene, results from a T to C substitution at nucleotide position 272. The valine at codon 91 is replaced by alanine, an amino acid with similar properties. This amino acid position is conserved. In addition, this alteration is predicted to be tolerated by in silico analysis. Based on the available evidence, the clinical significance of this variant remains unclear.

Labcorp Genetics (formerly Invitae), Labcorp
Classification: Uncertain significance for Fanconi anemia. Last evaluated: 2020-12-13. Review status: criteria provided, single submitter. Criteria: Invitae Variant Classification Sherloc (09022015). Collection method: clinical testing. Allele origin: germline.
Comment: In summary, the available evidence is currently insufficient to determine the role of this variant in disease. Therefore, it has been classified as a Variant of Uncertain Significance. Algorithms developed to predict the effect of missense changes on protein structure and function (SIFT, PolyPhen-2, Align-GVGD) all suggest that this variant is likely to be tolerated, but these predictions have not been confirmed by published functional studies and their clinical significance is uncertain. This variant has not been reported in the literature in individuals with FANCM-related conditions. This variant is not present in population databases (ExAC no frequency). This sequence change replaces valine with alanine at codon 91 of the FANCM protein (p.Val91Ala). The valine residue is moderately conserved and there is a small physicochemical difference between valine and alanine.